The following is an entry in ClinVar:

ClinVar aggregate classification (germline): Likely benign. Review status: criteria provided, single submitter (1 of 4 stars). 2 submissions from 2 submitters: Likely benign (1). 1 of the submissions does not count toward it. Last evaluated 2025-06-10.

Conditions:
PKD1-related disorder. Also called: PKD1-related condition.

Allele frequency attached by ClinVar (database versions not stated): 1000 Genomes Project 30x 0.00031; ESP Exome Variant Server 0.00046; TOPMed 0.00057; gnomAD 0.00046; ExAC 0.00014; 1000 Genomes Project 0.00020.
gnomAD v4.1: 158 of 1,609,050 alleles (0.0098%); highest among the groups gnomAD compares: African/African-American, 0.17%; no homozygotes.

Submissions (2):

Mayo Clinic Laboratories, Mayo Clinic
Classification: Likely benign. Last evaluated: 2025-06-10. Review status: criteria provided, single submitter. Criteria: ACMG Guidelines, 2015. Collection method: clinical testing. Allele origin: germline. Observed: 2 variant alleles.
Comment: BS1, BP4_moderate, BP5

PreventionGenetics, part of Exact Sciences
Classification: Likely benign for PKD1-related condition. Last evaluated: 2022-11-09. Review status: no assertion criteria provided. Collection method: clinical testing. Allele origin: germline. Not counted in ClinVar's aggregate classification.
Comment: This variant is classified as likely benign based on ACMG/AMP sequence variant interpretation guidelines (Richards et al. 2015 PMID: 25741868, with internal and published modifications).

Literature cited by the submitters: PubMed 35982159 (cited by Mayo Clinic Laboratories, Mayo Clinic); PubMed 35982160 (cited by Mayo Clinic Laboratories, Mayo Clinic).

NM_001009944.3(PKD1):c.2644G>A (p.Val882Met)

Gene: PKD1 (polycystin 1, transient receptor potential channel interacting; minus strand). Cytogenetic location: 16p13.3.
Variant type: single nucleotide variant.
Coding change: c.2644G>A on transcript NM_001009944.3 (MANE Select); coding-DNA position 2644, G replaced by A.
Protein change: p.Val882Met; replaces valine 882 with methionine.
Molecular consequence: missense variant.
Genome position (GRCh38, 1-based): chr16:2,114,379, C>T on the plus strand (G>A on the coding strand, the complement: PKD1 is on the minus strand). VCF-style: chr16-2114379-C-T. GRCh37 (hg19) VCF-style: chr16-2164380-C-T.
Other names: p.Val882Met; c.2644G>A, p.Val882Met (NM_000296.4); short protein forms V882M.
Identifiers: ClinVar variation 3038105 (VCV003038105.3), dbSNP rs151016310, ClinGen allele CA7833147.